The following is an entry in ClinVar:

ClinVar aggregate classification (germline): Uncertain significance (1 of 4 stars; one submission).

Conditions:
Birt-Hogg-Dube syndrome. Also called: Birt Hogg Dubé syndrome. Identifiers: Orphanet 122, MedGen C0346010, MONDO:0800444.

Submission:

Labcorp Genetics (formerly Invitae), Labcorp
Classification: Uncertain significance for Birt-Hogg-Dube syndrome. Last evaluated: 2021-09-16. Review status: criteria provided, single submitter. Criteria: Invitae Variant Classification Sherloc (09022015). Collection method: clinical testing. Allele origin: germline.
Comment: This sequence change replaces glycine with valine at codon 40 of the FLCN protein (p.Gly40Val). The glycine residue is moderately conserved and there is a moderate physicochemical difference between glycine and valine. This variant is not present in population databases (ExAC no frequency). This variant has not been reported in the literature in individuals affected with FLCN-related conditions. Algorithms developed to predict the effect of missense changes on protein structure and function (SIFT, PolyPhen-2, Align-GVGD) all suggest that this variant is likely to be tolerated. In summary, the available evidence is currently insufficient to determine the role of this variant in disease. Therefore, it has been classified as a Variant of Uncertain Significance.

NM_144997.7(FLCN):c.119G>T (p.Gly40Val)

Gene: FLCN (folliculin; minus strand). Cytogenetic location: 17p11.2.
Variant type: single nucleotide variant.
Coding change: c.119G>T on transcript NM_144997.7 (MANE Select); coding-DNA position 119, G replaced by T.
Protein change: p.Gly40Val; replaces glycine 40 with valine.
Molecular consequence: missense variant.
Genome position (GRCh38, 1-based): chr17:17,228,019, C>A on the plus strand (G>T on the coding strand, the complement: FLCN is on the minus strand). VCF-style: chr17-17228019-C-A. GRCh37 (hg19) VCF-style: chr17-17131333-C-A.
Other names: c.119G>T, p.Gly40Val (NM_001353229.2, NM_001353230.2, NM_001353231.2 and 1 more transcripts); short protein forms G40V.
Identifiers: ClinVar variation 1505643 (VCV001505643.6), dbSNP rs2145046402, ClinGen allele CA398535290.